The following is an entry in ClinVar:

NM_170707.4(LMNA):c.478G>C (p.Gly160Arg)

Genes: LMNA (lamin A/C; plus strand), LOC126805877 (MED14-independent group 3 enhancer GRCh37_chr1:156099693-156100892; plus strand). Cytogenetic location: 1q22.
Variant type: single nucleotide variant.
Coding change: c.478G>C on transcript NM_170707.4 (MANE Select); coding-DNA position 478, G replaced by C.
Protein change: p.Gly160Arg; replaces glycine 160 with arginine.
Molecular consequence: missense variant.
Genome position (GRCh38, 1-based): chr1:156,130,738, G>C. VCF-style: chr1-156130738-G-C. GRCh37 (hg19) VCF-style: chr1-156100529-G-C.
Other names: c.142G>C, p.Gly48Arg (NM_001257374.3); c.235G>C, p.Gly79Arg (NM_001282624.2); c.478G>C, p.Gly160Arg (NM_001282625.2, NM_001282626.2, NM_005572.4 and 1 more transcripts); short protein forms G79R, G160R, G48R.
Identifiers: ClinVar variation 1402379 (VCV001402379.7), dbSNP rs765665953, ClinGen allele CA053550.
Genomic context (GRCh38, chr1:156,130,738, plus strand): 5'-CTGCTGAACTCCAAGGAGGCCGCACTGAGCACTGCTCTCAGTGAGAAGCGCACGCTGGAG[G>C]GCGAGCTGCATGATCTGCGGGGCCAGGTGGCCAAGGTGAGGCCACCCTGCAGGGCCCACC-3'
Protein context (NP_733821.1, residues 150-170): TALSEKRTLE[Gly160Arg]ELHDLRGQVA

ClinVar aggregate classification (germline): Uncertain significance. Review status: criteria provided, multiple submitters, no conflicts (2 of 4 stars). 3 submissions from 3 submitters: Uncertain significance (3). Last evaluated 2024-09-14.

Conditions:
Cardiovascular phenotype. Identifiers: MedGen CN230736.
Charcot-Marie-Tooth disease type 2. Also called: Charcot-Marie-Tooth type 2. Identifiers: Orphanet 64746, MedGen C0270914, MONDO:0018993.
Cardiomyopathy (CMYO). Also called: Cardiomyopathies. Identifiers: Orphanet 167848, MedGen C0878544, MONDO:0004994, HP:0001638. Inheritance: Various modes of inheritance.

Allele frequency attached by ClinVar (database versions not stated): gnomAD exomes 0.00001; ExAC 0.00001.
gnomAD v4.1: 21 of 1,605,612 alleles (0.0013%); highest among the groups gnomAD compares: Non-Finnish European, 0.0017%; no homozygotes.

Submissions (3):

Labcorp Genetics (formerly Invitae), Labcorp
Classification: Uncertain significance for Charcot-Marie-Tooth disease type 2. Last evaluated: 2024-09-14. Review status: criteria provided, single submitter. Criteria: Invitae Variant Classification Sherloc (09022015). Collection method: clinical testing. Allele origin: germline.
Comment: This sequence change replaces glycine, which is neutral and non-polar, with arginine, which is basic and polar, at codon 160 of the LMNA protein (p.Gly160Arg). This variant is present in population databases (rs765665953, gnomAD 0.001%). This variant has not been reported in the literature in individuals affected with LMNA-related conditions. ClinVar contains an entry for this variant (Variation ID: 1402379). Invitae Evidence Modeling of protein sequence and biophysical properties (such as structural, functional, and spatial information, amino acid conservation, physicochemical variation, residue mobility, and thermodynamic stability) has been performed for this missense variant. However, the output from this modeling did not meet the statistical confidence thresholds required to predict the impact of this variant on LMNA protein function. In summary, the available evidence is currently insufficient to determine the role of this variant in disease. Therefore, it has been classified as a Variant of Uncertain Significance.

Color Diagnostics, LLC DBA Color Health
Classification: Uncertain significance for Cardiomyopathy. Last evaluated: 2024-06-17. Review status: criteria provided, single submitter. Criteria: ACMG Guidelines, 2015. Collection method: clinical testing. Allele origin: germline.
Comment: This missense variant replaces glycine with arginine at codon 160 of the LMNA protein. Computational prediction tools indicate that this variant has a neutral impact on protein structure and function. To our knowledge, functional studies have not been reported for this variant. This variant has not been reported in individuals affected with LMNA-related disorders in the literature. This variant has not been identified in the general population by the Genome Aggregation Database (gnomAD). The available evidence is insufficient to determine the role of this variant in disease conclusively. Therefore, this variant is classified as a Variant of Uncertain Significance.

Ambry Genetics
Classification: Uncertain significance for Cardiovascular phenotype. Last evaluated: 2021-10-13. Review status: criteria provided, single submitter. Criteria: Ambry Variant Classification Scheme 2023. Collection method: clinical testing. Allele origin: germline.
Comment: The p.G160R variant (also known as c.478G>C), located in coding exon 2 of the LMNA gene, results from a G to C substitution at nucleotide position 478. The glycine at codon 160 is replaced by arginine, an amino acid with dissimilar properties. This amino acid position is poorly conserved in available vertebrate species. In addition, this alteration is predicted to be tolerated by in silico analysis. Since supporting evidence is limited at this time, the clinical significance of this alteration remains unclear.